The following is an entry in ClinVar:

ClinVar aggregate classification (germline): Uncertain significance. Review status: criteria provided, single submitter (1 of 4 stars). 2 submissions from 2 submitters: Uncertain significance (1). 1 of the submissions does not count toward it. Last evaluated 2026-07-29.

Conditions:
SMG8-related disorder. Also called: SMG8-related condition.
Inborn genetic diseases. Identifiers: MedGen C0950123, MeSH D030342.

Allele frequency attached by ClinVar (database versions not stated): TOPMed 0.00015; 1000 Genomes Project 0.00020; gnomAD 0.00007; 1000 Genomes Project 30x 0.00016; ExAC 0.00001; gnomAD exomes 0.00001.

Submissions (2):

Ambry Genetics
Classification: Uncertain significance for Inborn genetic diseases. Last evaluated: 2026-07-29. Review status: criteria provided, single submitter. Criteria: Ambry Variant Classification Scheme 2023. Collection method: clinical testing. Allele origin: germline.

PreventionGenetics, part of Exact Sciences
Classification: Uncertain significance for SMG8-related condition. Last evaluated: 2023-12-14. Review status: no assertion criteria provided. Collection method: clinical testing. Allele origin: germline. Not counted in ClinVar's aggregate classification.
Comment: The SMG8 c.1057G>C variant is predicted to result in the amino acid substitution p.Asp353His. To our knowledge, this variant has not been reported in the literature. This variant is reported in 0.0029% of alleles in individuals of Latino descent in gnomAD. At this time, the clinical significance of this variant is uncertain due to the absence of conclusive functional and genetic evidence.

NM_018149.7(SMG8):c.1057G>C (p.Asp353His)

Gene: SMG8 (SMG8 nonsense mediated mRNA decay factor; plus strand). Cytogenetic location: 17q22.
Variant type: single nucleotide variant.
Coding change: c.1057G>C on transcript NM_018149.7 (MANE Select); coding-DNA position 1057, G replaced by C.
Protein change: p.Asp353His; replaces aspartic acid 353 with histidine.
Molecular consequence: missense variant.
Genome position (GRCh38, 1-based): chr17:59,211,108, G>C. VCF-style: chr17-59211108-G-C. GRCh37 (hg19) VCF-style: chr17-57288469-G-C.
Other names: short protein forms D353H.
Identifiers: ClinVar variation 3033024 (VCV003033024.4), dbSNP rs201593126, ClinGen allele CA8679544.